The following is an entry in ClinVar:

ClinVar aggregate classification (germline): Likely pathogenic (1 of 4 stars; one submission).

Conditions:
Recessive dystrophic epidermolysis bullosa (RDEB). Also called: epidermolysis bullosa dystrophica, autosomal recessive; Epidermolysis Bullosa Distrophica Autosomal Recessive (RDEB); DYSTROPHIC EPIDERMOLYSIS BULLOSA, AUTOSOMAL RECESSIVE; EPIDERMOLYSIS BULLOSA DYSTROPHICA, HALLOPEAU-SIEMENS TYPE; Recessive DEB (RDEB); Hallopeau-Siemens Disease. Identifiers: Orphanet 79408, Orphanet 79409, MedGen C0079474, MONDO:0009179, OMIM 226600.

Submission:

Myriad Genetics, Inc.
Classification: Likely pathogenic for Recessive dystrophic epidermolysis bullosa. Last evaluated: 2025-09-30. Review status: criteria provided, single submitter. Criteria: Myriad Autosomal Dominant, Autosomal Recessive and X-Linked Classification Criteria (2023). Collection method: clinical testing. Allele origin: unknown.
Comment: NM_000094.3(COL7A1):c.6227G>T(G2076V) is a missense variant classified as likely pathogenic in the context of dystrophic epidermolysis bullosa. G2076V has been observed in cases with relevant disease (PMID: 19814614, 26039182). Relevant functional assessments of this variant are not available in the literature. G2076V has not been observed in referenced population frequency databases. In summary, NM_000094.3(COL7A1):c.6227G>T(G2076V) is a missense variant that has internal structural support for pathogenicity and has been observed more frequently in cases with the relevant disease than in healthy populations. Please note: this variant was assessed in the context of healthy population screening.

Literature cited by the submitters: PubMed 19814614; PubMed 26039182.

NM_000094.4(COL7A1):c.6227G>T (p.Gly2076Val)

Gene: COL7A1 (collagen type VII alpha 1 chain; minus strand). Cytogenetic location: 3p21.31.
Variant type: single nucleotide variant.
Coding change: c.6227G>T on transcript NM_000094.4 (MANE Select); coding-DNA position 6227, G replaced by T.
Protein change: p.Gly2076Val; replaces glycine 2076 with valine.
Molecular consequence: missense variant.
Genome position (GRCh38, 1-based): chr3:48,575,116, C>A on the plus strand (G>T on the coding strand, the complement: COL7A1 is on the minus strand). VCF-style: chr3-48575116-C-A. GRCh37 (hg19) VCF-style: chr3-48612549-C-A.
Other names: short protein forms G2076V.
Identifiers: ClinVar variation 5004199 (VCV005004199.1).